The following is an entry in ClinVar:

NM_001098511.3(KIF2A):c.*5G>T

Gene: KIF2A (kinesin family member 2A; plus strand). Cytogenetic location: 5q12.1.
Variant type: single nucleotide variant.
Coding change: c.*5G>T on transcript NM_001098511.3 (MANE Select); 5 bases downstream of the stop codon, G replaced by T.
Molecular consequence: 3 prime UTR variant.
Genome position (GRCh38, 1-based): chr5:62,385,574, G>T. VCF-style: chr5-62385574-G-T. GRCh37 (hg19) VCF-style: chr5-61681401-G-T.
Other names: c.*5G>T (NM_001243952.2, NM_001243953.2, NM_004520.5).
Identifiers: ClinVar variation 385561 (VCV000385561.1), dbSNP rs775233194, ClinGen allele CA3279147.
Genomic context (GRCh38, chr5:62,385,574, plus strand): 5'-AAGAGGAGGAACAAGCCAGCAAGCAAATCAACCCGAAGAGACCCCGTGCCCTTTAAACCG[G>T]CATTTGCTGCTAAAGGATACCCAGAACCCTCACTACTGTAACATACAACGGTTCAGCTGT-3'

ClinVar aggregate classification (germline): Likely benign (1 of 4 stars; one submission).

Allele frequency attached by ClinVar (database versions not stated): gnomAD 0.00001; TOPMed 0.00004 and 0.00003; ExAC 0.00003.
gnomAD v4.1: 3 of 1,574,746 alleles (0.00019%); highest among the groups gnomAD compares: African/African-American, 0.0041%; no homozygotes.

Submission:

GeneDx
Classification: Likely benign. Last evaluated: 2016-04-27. Review status: criteria provided, single submitter. Criteria: GeneDx Variant Classification (06012015). Collection method: clinical testing. Allele origin: germline. Affected: yes.
Comment: This variant is considered likely benign or benign based on one or more of the following criteria: it is a conservative change, it occurs at a poorly conserved position in the protein, it is predicted to be benign by multiple in silico algorithms, and/or has population frequency not consistent with disease.